The following is an entry in ClinVar:

ClinVar aggregate classification (germline): Uncertain significance (1 of 4 stars; one submission).

Submission:

GeneDx
Classification: Uncertain significance. Last evaluated: 2020-01-09. Review status: criteria provided, single submitter. Criteria: GeneDx Variant Classification Process June 2021. Collection method: clinical testing. Allele origin: germline. Affected: yes.
Comment: Not observed in large population cohorts (Lek et al., 2016)

NM_000090.4(COL3A1):c.2345G>C (p.Gly782Ala)

Genes: COL3A1 (collagen type III alpha 1 chain; plus strand), LOC126806446 (P300/CBP strongly-dependent group 1 enhancer GRCh37_chr2:189866210-189867409; plus strand). Cytogenetic location: 2q32.2.
Variant type: single nucleotide variant.
Coding change: c.2345G>C on transcript NM_000090.4 (MANE Select); coding-DNA position 2345, G replaced by C.
Protein change: p.Gly782Ala; replaces glycine 782 with alanine.
Molecular consequence: missense variant.
Genome position (GRCh38, 1-based): chr2:189,001,543, G>C. VCF-style: chr2-189001543-G-C. GRCh37 (hg19) VCF-style: chr2-189866269-G-C.
Other names: short protein forms G782A.
Identifiers: ClinVar variation 1302973 (VCV001302973.2), dbSNP rs2153503243, ClinGen allele CA349842473.
Genomic context (GRCh38, chr2:189,001,543, plus strand): 5'-AAATGTCTCTCTCTTTTGGATGCAAGACAGTGACATGGCTTCTCTTTTTCCAGGGTGAAG[G>C]TGGTGCCCCCGGACTTCCAGGTATAGCTGGACCTCGTGGTAGCCCTGTAAGTGTTAAAGA-3'
Protein context (NP_000081.2, residues 772-792): PAGQPGDKGE[Gly782Ala]GAPGLPGIAG